The following is an entry in ClinVar:

NM_003392.7(WNT5A):c.551A>G (p.Asp184Gly)

Gene: WNT5A (Wnt family member 5A; minus strand). Cytogenetic location: 3p14.3.
Variant type: single nucleotide variant.
Coding change: c.551A>G on transcript NM_003392.7 (MANE Select); coding-DNA position 551, A replaced by G.
Protein change: p.Asp184Gly; replaces aspartic acid 184 with glycine.
Molecular consequence: missense variant.
Genome position (GRCh38, 1-based): chr3:55,474,470, T>C on the plus strand (A>G on the coding strand, the complement: WNT5A is on the minus strand). VCF-style: chr3-55474470-T-C. GRCh37 (hg19) VCF-style: chr3-55508498-T-C.
Other names: c.506A>G, p.Asp169Gly (NM_001256105.1, NM_001377271.1, NM_001377272.1); short protein forms D169G, D184G.
Identifiers: ClinVar variation 1803402 (VCV001803402.1), dbSNP rs2106916011, ClinGen allele CA353275011.

ClinVar aggregate classification (germline): Uncertain significance (1 of 4 stars; one submission).

Submission:

GeneDx
Classification: Uncertain significance. Last evaluated: 2022-06-10. Review status: criteria provided, single submitter. Criteria: GeneDx Variant Classification Process June 2021. Collection method: clinical testing. Allele origin: germline. Affected: yes.
Comment: Not observed at significant frequency in large population cohorts (gnomAD); In silico analysis supports that this missense variant has a deleterious effect on protein structure/function; Has not been previously published as pathogenic or benign to our knowledge